The following is an entry in ClinVar:

ClinVar aggregate classification (germline): Uncertain significance (1 of 4 stars; one submission).

gnomAD v4.1: 1 of 1,516,542 alleles (0.000066%); highest among the groups gnomAD compares: Non-Finnish European, 0.000092%; no homozygotes.

Submission:

Labcorp Genetics (formerly Invitae), Labcorp
Classification: Uncertain significance. Last evaluated: 2024-12-02. Review status: criteria provided, single submitter. Criteria: Invitae Variant Classification Sherloc (09022015). Collection method: clinical testing. Allele origin: germline.
Comment: This sequence change replaces valine, which is neutral and non-polar, with methionine, which is neutral and non-polar, at codon 47 of the GINS1 protein (p.Val47Met). This variant is not present in population databases (gnomAD no frequency). This variant has not been reported in the literature in individuals affected with GINS1-related conditions. An algorithm developed to predict the effect of missense changes on protein structure and function (PolyPhen-2) suggests that this variant is likely to be tolerated. In summary, the available evidence is currently insufficient to determine the role of this variant in disease. Therefore, it has been classified as a Variant of Uncertain Significance.

NM_021067.5(GINS1):c.139G>A (p.Val47Met)

Gene: GINS1 (GINS complex subunit 1; plus strand). Cytogenetic location: 20p11.21.
Variant type: single nucleotide variant.
Coding change: c.139G>A on transcript NM_021067.5 (MANE Select); coding-DNA position 139, G replaced by A.
Protein change: p.Val47Met; replaces valine 47 with methionine.
Molecular consequence: missense variant. On other transcripts: non-coding transcript variant (1), intron variant (1).
Genome position (GRCh38, 1-based): chr20:25,413,853, G>A. VCF-style: chr20-25413853-G-A. GRCh37 (hg19) VCF-style: chr20-25394489-G-A.
Other names: c.139G>A, p.Val47Met (NM_001410830.1); c.75+5958G>A (NM_001410831.1); short protein forms V47M.
Identifiers: ClinVar variation 3609790 (VCV003609790.2).
Genomic context (GRCh38, chr20:25,413,853, plus strand): 5'-GATGGACTCAGACAAGTTCTGGAGGAGATGAAAGCTTTGTATGAACAAAACCAGTCTGAT[G>A]TGTAAGTTTCATAAGATGATATTCTAAAACAATTCAATAATTAAGATGTTGAAATTGGCC-3'
Protein context (NP_066545.3, residues 37-57): KALYEQNQSD[Val47Met]NEAKSGGRSD